The following is an entry in ClinVar:

ClinVar aggregate classification (germline): Uncertain significance (1 of 4 stars; one submission).

Conditions:
Maple syrup urine disease (MSUD). Identifiers: Orphanet 511, MedGen C0024776, MeSH D008375, MONDO:0009563. Disease mechanism: loss of function.

Submission:

Labcorp Genetics (formerly Invitae), Labcorp
Classification: Uncertain significance for Maple syrup urine disease. Last evaluated: 2019-06-27. Review status: criteria provided, single submitter. Criteria: Invitae Variant Classification Sherloc (09022015). Collection method: clinical testing. Allele origin: germline.
Comment: In summary, the available evidence is currently insufficient to determine the role of this variant in disease. Therefore, it has been classified as a Variant of Uncertain Significance. Algorithms developed to predict the effect of missense changes on protein structure and function are either unavailable or do not agree on the potential impact of this missense change (SIFT: "Deleterious"; PolyPhen-2: "Probably Damaging"; Align-GVGD: "Class C0"). This variant has not been reported in the literature in individuals with DBT-related conditions. This variant is not present in population databases (ExAC no frequency). This sequence change replaces phenylalanine with serine at codon 311 of the DBT protein (p.Phe311Ser). The phenylalanine residue is highly conserved and there is a large physicochemical difference between phenylalanine and serine.

NM_001918.5(DBT):c.932T>C (p.Phe311Ser)

Gene: DBT (dihydrolipoamide branched chain transacylase E2; minus strand). Cytogenetic location: 1p21.2.
Variant type: single nucleotide variant.
Coding change: c.932T>C on transcript NM_001918.5 (MANE Select); coding-DNA position 932, T replaced by C.
Protein change: p.Phe311Ser; replaces phenylalanine 311 with serine.
Molecular consequence: missense variant.
Genome position (GRCh38, 1-based): chr1:100,214,824, A>G on the plus strand (T>C on the coding strand, the complement: DBT is on the minus strand). VCF-style: chr1-100214824-A-G. GRCh37 (hg19) VCF-style: chr1-100680380-A-G.
Other names: short protein forms F311S.
Identifiers: ClinVar variation 937045 (VCV000937045.9), dbSNP rs1662388035, ClinGen allele CA341336926.